The following is an entry in ClinVar:

ClinVar aggregate classification (germline): Uncertain significance (1 of 4 stars; one submission).

Conditions:
ARID1B-Related Disorder. Identifiers: MedGen CN381337.

Allele frequency attached by ClinVar (database versions not stated): ESP Exome Variant Server 0.00008.
gnomAD v4.1: 21 of 1,614,010 alleles (0.0013%); highest among the groups gnomAD compares: African/African-American, 0.012%; no homozygotes.

Submission:

PreventionGenetics, part of Exact Sciences
Classification: Uncertain significance for ARID1B-related condition. Last evaluated: 2022-10-25. Review status: criteria provided, single submitter. Criteria: ACMG Guidelines, 2015. Collection method: clinical testing. Allele origin: germline.
Comment: The ARID1B c.4247G>A variant is predicted to result in the amino acid substitution p.Arg1416His. To our knowledge, this variant has not been reported in the literature. This variant is reported in 0.0056% of alleles in individuals of Latino descent in gnomAD. At this time, the clinical significance of this variant is uncertain due to the absence of conclusive functional and genetic evidence.

NM_001374828.1(ARID1B):c.4616G>A (p.Arg1539His)

Gene: ARID1B (AT-rich interaction domain 1B; plus strand). Cytogenetic location: 6q25.3.
Variant type: single nucleotide variant.
Coding change: c.4616G>A on transcript NM_001374828.1 (MANE Select); coding-DNA position 4616, G replaced by A.
Protein change: p.Arg1539His; replaces arginine 1539 with histidine.
Molecular consequence: missense variant.
Genome position (GRCh38, 1-based): chr6:157,200,841, G>A. VCF-style: chr6-157200841-G-A. GRCh37 (hg19) VCF-style: chr6-157521975-G-A.
Other names: c.4367G>A, p.Arg1456His (NM_001346813.1); c.2117G>A, p.Arg706His (NM_001363725.2); c.4496G>A, p.Arg1499His (NM_001371656.1, NM_001374820.1); c.4457G>A, p.Arg1486His (NM_017519.3); c.4247G>A, p.Arg1416His (NM_020732.3); c.4034G>A, p.Arg1345His (NM_175863.2); short protein forms R1345H, R1416H, R1456H, R1486H, R1499H, R1539H, R706H.
Identifiers: ClinVar variation 2631941 (VCV002631941.1), dbSNP rs144424476, ClinGen allele CA4067669.